The following is an entry in ClinVar:

NM_000352.6(ABCC8):c.1673C>A (p.Thr558Asn)

Gene: ABCC8 (ATP binding cassette subfamily C member 8; minus strand). Cytogenetic location: 11p15.1.
Variant type: single nucleotide variant.
Coding change: c.1673C>A on transcript NM_000352.6 (MANE Select); coding-DNA position 1673, C replaced by A.
Protein change: p.Thr558Asn; replaces threonine 558 with asparagine.
Molecular consequence: missense variant. On other transcripts: non-coding transcript variant (1).
Genome position (GRCh38, 1-based): chr11:17,430,958, G>T on the plus strand (C>A on the coding strand, the complement: ABCC8 is on the minus strand). VCF-style: chr11-17430958-G-T. GRCh37 (hg19) VCF-style: chr11-17452505-G-T.
Other names: c.1673C>A, p.Thr558Asn (NM_001287174.3, NM_001351295.2); c.1670C>A, p.Thr557Asn (NM_001351296.2, NM_001351297.2); short protein forms T557N, T558N.
Identifiers: ClinVar variation 3356514 (VCV003356514.1).

ClinVar aggregate classification (germline): Uncertain significance (0 of 4 stars; one submission).

Conditions:
ABCC8-related disorder.

gnomAD v4.1: 1 of 1,614,102 alleles (0.000062%); no homozygotes.

Submission:

PreventionGenetics, part of Exact Sciences
Classification: Uncertain significance for ABCC8-related condition. Last evaluated: 2024-07-18. Review status: no assertion criteria provided. Collection method: clinical testing. Allele origin: germline.
Comment: The ABCC8 c.1673C>A variant is predicted to result in the amino acid substitution p.Thr558Asn. To our knowledge, this variant has not been reported in the literature or in a large population database, indicating this variant is rare. At this time, the clinical significance of the c.1673C>A variant is uncertain due to the absence of conclusive functional and genetic evidence.